The following is an entry in ClinVar:

ClinVar aggregate classification (germline): Benign (0 of 4 stars; one submission).

Conditions:
FSIP2-related disorder. Also called: FSIP2-related condition.

Allele frequency attached by ClinVar (database versions not stated): 1000 Genomes Project 0.14097; 1000 Genomes Project 30x 0.14350; gnomAD 0.18518; TOPMed 0.18822; ESP Exome Variant Server 0.20231; ExAC 0.20438; gnomAD exomes 0.22305.
gnomAD v4.1: 353,616 of 1,611,966 alleles (22%); highest among the groups gnomAD compares: Admixed American, 25%; 40,930 homozygotes.

Submission:

PreventionGenetics, part of Exact Sciences
Classification: Benign for FSIP2-related condition. Last evaluated: 2019-10-21. Review status: no assertion criteria provided. Collection method: clinical testing. Allele origin: germline.
Comment: This variant is classified as benign based on ACMG/AMP sequence variant interpretation guidelines (Richards et al. 2015 PMID: 25741868, with internal and published modifications).

NM_173651.4(FSIP2):c.18494T>A (p.Leu6165Gln)

Gene: FSIP2 (fibrous sheath interacting protein 2; plus strand). Cytogenetic location: 2q32.1.
Variant type: single nucleotide variant.
Coding change: c.18494T>A on transcript NM_173651.4 (MANE Select); coding-DNA position 18494, T replaced by A.
Protein change: p.Leu6165Gln; replaces leucine 6165 with glutamine.
Molecular consequence: missense variant.
Genome position (GRCh38, 1-based): chr2:185,807,800, T>A. VCF-style: chr2-185807800-T-A. GRCh37 (hg19) VCF-style: chr2-186672527-T-A.
Other names: short protein forms L6165Q.
Identifiers: ClinVar variation 3056406 (VCV003056406.2), dbSNP rs72900086, ClinGen allele CA2017569.